The following is an entry in ClinVar:

NM_177438.3(DICER1):c.5155C>G (p.His1719Asp)

Gene: DICER1 (dicer 1, ribonuclease III; minus strand). Cytogenetic location: 14q32.13.
Variant type: single nucleotide variant.
Coding change: c.5155C>G on transcript NM_177438.3 (MANE Select); coding-DNA position 5155, C replaced by G.
Protein change: p.His1719Asp; replaces histidine 1719 with aspartic acid.
Molecular consequence: missense variant.
Genome position (GRCh38, 1-based): chr14:95,094,097, G>C on the plus strand (C>G on the coding strand, the complement: DICER1 is on the minus strand). VCF-style: chr14-95094097-G-C. GRCh37 (hg19) VCF-style: chr14-95560434-G-C.
Other names: c.5155C>G, p.His1719Asp (NM_001195573.1, NM_001271282.3, NM_001291628.2 and 1 more transcripts); short protein forms H1719D.
Identifiers: ClinVar variation 825487 (VCV000825487.5), dbSNP rs1595331095, ClinGen allele CA390865324.

ClinVar aggregate classification (germline): Uncertain significance (1 of 4 stars; one submission).

Conditions:
Hereditary cancer-predisposing syndrome. Also called: Neoplastic Syndromes, Hereditary; Tumor predisposition; Hereditary neoplastic syndrome; Hereditary Cancer Syndrome. Identifiers: Orphanet 140162, MedGen C0027672, MeSH D009386, MONDO:0015356.

Submission:

Ambry Genetics
Classification: Uncertain significance for Hereditary cancer-predisposing syndrome. Last evaluated: 2024-05-20. Review status: criteria provided, single submitter. Criteria: Ambry Variant Classification Scheme 2023. Collection method: clinical testing. Allele origin: germline.
Comment: The p.H1719D variant (also known as c.5155C>G), located in coding exon 23 of the DICER1 gene, results from a C to G substitution at nucleotide position 5155. The histidine at codon 1719 is replaced by aspartic acid, an amino acid with similar properties. This amino acid position is highly conserved in available vertebrate species. In addition, this alteration is predicted to be deleterious by in silico analysis. Since supporting evidence is limited at this time, the clinical significance of this alteration remains unclear.